The following is an entry in ClinVar:

NM_006031.6(PCNT):c.6586G>A (p.Val2196Ile)

Gene: PCNT (pericentrin; plus strand). Cytogenetic location: 21q22.3.
Variant type: single nucleotide variant.
Coding change: c.6586G>A on transcript NM_006031.6 (MANE Select); coding-DNA position 6586, G replaced by A.
Protein change: p.Val2196Ile; replaces valine 2196 with isoleucine.
Molecular consequence: missense variant.
Genome position (GRCh38, 1-based): chr21:46,416,504, G>A. VCF-style: chr21-46416504-G-A. GRCh37 (hg19) VCF-style: chr21-47836418-G-A.
Other names: c.6232G>A, p.Val2078Ile (NM_001315529.2); short protein forms V2196I, V2078I.
Identifiers: ClinVar variation 895761 (VCV000895761.5), dbSNP rs375143479, ClinGen allele CA10080360.

ClinVar aggregate classification (germline): Uncertain significance. Review status: criteria provided, multiple submitters, no conflicts (2 of 4 stars). 2 submissions from 2 submitters: Uncertain significance (2). Last evaluated 2025-07-31.

Conditions:
PCNT-related disorder. Also called: PCNT-related condition.
Microcephalic osteodysplastic primordial dwarfism type II (MOPD2). Also called: Microcephalic osteodysplastic primordial dwarfism with tooth abnormalities; MOPD II; OSTEODYSPLASTIC PRIMORDIAL DWARFISM, TYPE II. Identifiers: Orphanet 2637, MedGen C0432246, MONDO:0008872, OMIM 210720.

Allele frequency attached by ClinVar (database versions not stated): ExAC 0.00001; gnomAD 0.00001; gnomAD exomes 0.00002; TOPMed 0.00002; ESP Exome Variant Server 0.00008.
gnomAD v4.1: 40 of 1,613,740 alleles (0.0025%); highest among the groups gnomAD compares: East Asian, 0.033%; no homozygotes.

Submissions (2):

PreventionGenetics, part of Exact Sciences
Classification: Uncertain significance for PCNT-related condition. Last evaluated: 2025-07-31. Review status: criteria provided, single submitter. Criteria: ACMG Guidelines, 2015. Collection method: clinical testing. Allele origin: germline.
Comment: The PCNT c.6586G>A variant is predicted to result in the amino acid substitution p.Val2196Ile. To our knowledge, this variant has not been reported in the literature. This variant is reported in 0.011% of alleles in individuals of East Asian descent in gnomAD. At this time, the clinical significance of this variant is uncertain due to the absence of conclusive functional and genetic evidence.

Illumina Laboratory Services, Illumina
Classification: Uncertain significance for Microcephalic osteodysplastic primordial dwarfism type II. Last evaluated: 2018-01-13. Review status: criteria provided, single submitter. Criteria: ICSL Variant Classification Criteria 13 December 2019. Collection method: clinical testing. Allele origin: germline.